The following is an entry in ClinVar:

NM_020987.5(ANK3):c.11543G>A (p.Gly3848Glu)

Gene: ANK3 (ankyrin 3; minus strand). Cytogenetic location: 10q21.2.
Variant type: single nucleotide variant.
Coding change: c.11543G>A on transcript NM_020987.5 (MANE Select); coding-DNA position 11543, G replaced by A.
Protein change: p.Gly3848Glu; replaces glycine 3848 with glutamic acid.
Molecular consequence: missense variant. On other transcripts: intron variant (4).
Genome position (GRCh38, 1-based): chr10:60,069,338, C>T on the plus strand (G>A on the coding strand, the complement: ANK3 is on the minus strand). VCF-style: chr10-60069338-C-T. GRCh37 (hg19) VCF-style: chr10-61829096-C-T.
Other names: c.4388-1329G>A (NM_001204403.2); c.4409-1329G>A (NM_001204404.2); c.4406-1329G>A (NM_001320874.2); c.1808-1329G>A (NM_001149.4); short protein forms G3848E.
Identifiers: ClinVar variation 2584973 (VCV002584973.1), dbSNP rs750873003, ClinGen allele CA376996634.
Genomic context (GRCh38, chr10:60,069,338, plus strand): 5'-TTTATGGGAAGTTTGGATTTTTGCCTAATCCCTATCAATTCCTTTGTTTTTTGCTGTTCT[C>T]CAAGAACTTTCTGCTTATCTCTTACACAGTGTCCTTGTAGTACCCCTGTCTTTTTTCCTG-3'
Protein context (NP_066267.2, residues 3838-3858): HCVRDKQKVL[Gly3848Glu]EQQKTKELIG

ClinVar aggregate classification (germline): Uncertain significance (1 of 4 stars; one submission).

Conditions:
Intellectual developmental disorder, autosomal recessive 37. Also called: Intellectual disability-hypotonia-spasticity-sleep disorder syndrome. Identifiers: Orphanet 356996, MedGen C3809672, MONDO:0014210, OMIM 615493.

gnomAD v4.1: 3 of 1,614,086 alleles (0.00019%); highest among the groups gnomAD compares: South Asian, 0.0022%; no homozygotes.

Submission:

Neuberg Centre For Genomic Medicine, NCGM
Classification: Uncertain significance for Intellectual developmental disorder, autosomal recessive 37. Review status: criteria provided, single submitter. Criteria: ACMG Guidelines, 2015. Collection method: clinical testing. Allele origin: germline. Inheritance: Autosomal recessive inheritance. Affected: yes.
Comment: The missense variant c.11543G>A (p.Gly3848Glu) in ANK3 gene has not been reported previously as a pathogenic variant nor as a benign variant, to our knowledge. The p.Gly3848Glu variant is novel (not in any individuals) in gnomAD Exomes and 1000 Genomes. The amino acid Gly at position 3848 is changed to a Glu changing protein sequence and it might alter its composition and physico-chemical properties. For these reasons, this variant has been classified as Uncertain significance.